The following is an entry in ClinVar:

ClinVar aggregate classification (germline): Benign/Likely benign. Review status: criteria provided, multiple submitters, no conflicts (2 of 4 stars). 3 submissions from 3 submitters: Benign (1); Likely benign (2). Last evaluated 2024-10-28.

Conditions:
Hereditary cancer-predisposing syndrome. Also called: Tumor predisposition; Neoplastic Syndromes, Hereditary; Hereditary Cancer Syndrome; Hereditary neoplastic syndrome. Identifiers: Orphanet 140162, MedGen C0027672, MeSH D009386, MONDO:0015356.
Prostate cancer, hereditary, 9 (HPC9). Identifiers: Orphanet 1331, MedGen C1970250, MONDO:0012597, OMIM 610997.

Allele frequency attached by ClinVar (database versions not stated): gnomAD exomes below 0.00001; gnomAD 0.00001.
gnomAD v4.1: 4 of 1,613,080 alleles (0.00025%); highest among the groups gnomAD compares: South Asian, 0.0022%; no homozygotes.

Submissions (3):

Myriad Genetics, Inc.
Classification: Benign for Prostate cancer, hereditary, 9. Last evaluated: 2024-10-28. Review status: criteria provided, single submitter. Criteria: Myriad Autosomal Dominant, Autosomal Recessive and X-Linked Classification Criteria (2023). Collection method: clinical testing. Allele origin: unknown.
Comment: This variant is considered benign. This variant is a silent/synonymous amino acid change and it is not expected to impact splicing.

Labcorp Genetics (formerly Invitae), Labcorp
Classification: Likely benign. Last evaluated: 2021-06-23. Review status: criteria provided, single submitter. Criteria: Invitae Variant Classification Sherloc (09022015). Collection method: clinical testing. Allele origin: germline.

Ambry Genetics
Classification: Likely benign for Hereditary cancer-predisposing syndrome. Last evaluated: 2020-02-14. Review status: criteria provided, single submitter. Criteria: Ambry Variant Classification Scheme 2023. Collection method: clinical testing. Allele origin: germline.

NM_006361.6(HOXB13):c.57G>A (p.Leu19=)

Gene: HOXB13 (homeobox B13; minus strand). Cytogenetic location: 17q21.32.
Variant type: single nucleotide variant.
Coding change: c.57G>A on transcript NM_006361.6 (MANE Select); coding-DNA position 57, G replaced by A.
Protein change: p.Leu19=; no amino-acid change (leucine 19 retained).
Molecular consequence: synonymous variant.
Genome position (GRCh38, 1-based): chr17:48,728,537, C>T on the plus strand (G>A on the coding strand, the complement: HOXB13 is on the minus strand). VCF-style: chr17-48728537-C-T. GRCh37 (hg19) VCF-style: chr17-46805899-C-T.
Identifiers: ClinVar variation 1157696 (VCV001157696.12), dbSNP rs1027470378, ClinGen allele CA291350971.